The following is an entry in ClinVar:

ClinVar aggregate classification (germline): Likely benign (1 of 4 stars; one submission).

Conditions:
Epidermolysis bullosa simplex. Also called: Epidermolysis bullosa simplex, Weber-Cockayne type (subtype); Epidermolysis bullosa simplex, Dowling-Meara type (subtype); Epidermolysis bullosa simplex with mottled pigmentation (subtype). Identifiers: Orphanet 304, MedGen C0079298, MONDO:0017610.

Allele frequency attached by ClinVar (database versions not stated): TOPMed 0.00002; gnomAD 0.00003 and 0.00004; gnomAD exomes 0.00005 and 0.00006; ExAC 0.00007.

Submission:

Illumina Laboratory Services, Illumina
Classification: Likely benign for Epidermolysis bullosa simplex. Last evaluated: 2018-01-12. Review status: criteria provided, single submitter. Criteria: ICSL Variant Classification Criteria 13 December 2019. Collection method: clinical testing. Allele origin: germline.
Comment: This variant was observed in the ICSL laboratory as part of a predisposition screen in an ostensibly healthy population. It had not been previously curated by ICSL or reported in the Human Gene Mutation Database (HGMD: prior to June 1st, 2018), and was therefore a candidate for classification through an automated scoring system. Utilizing variant allele frequency, disease prevalence and penetrance estimates, and inheritance mode, an automated score was calculated to assess if this variant is too frequent to cause the disease. Based on the score and internal cut-off values, a variant classified as likely benign is not then subjected to further curation. The score for this variant resulted in a classification of likely benign for this disease.

NM_000424.4(KRT5):c.123C>T (p.Gly41=)

Gene: KRT5 (keratin 5; minus strand). Cytogenetic location: 12q13.13.
Variant type: single nucleotide variant.
Coding change: c.123C>T on transcript NM_000424.4 (MANE Select); coding-DNA position 123, C replaced by T.
Protein change: p.Gly41=; no amino-acid change (glycine 41 retained).
Molecular consequence: synonymous variant.
Genome position (GRCh38, 1-based): chr12:52,520,174, G>A on the plus strand (C>T on the coding strand, the complement: KRT5 is on the minus strand). VCF-style: chr12-52520174-G-A. GRCh37 (hg19) VCF-style: chr12-52913958-G-A.
Identifiers: ClinVar variation 309573 (VCV000309573.5), dbSNP rs769626917, ClinGen allele CA6582919.
Genomic context (GRCh38, chr12:52,520,174, plus strand): 5'-GCCATAGCCACCCACTCCACAAGCACCCGCAAGGCTGACCCTGCCGAAGCCACCACCACC[G>A]CCACCCCCGGACCGGGACACGGAGGTGAAGCTGGTGCGGGAGACAGACGGGGTGATGGCA-3'
Protein context (NP_000415.2, residues 31-51): SFTSVSRSGG[Gly41=]GGGGFGRVSL